The following is an entry in ClinVar:

ClinVar aggregate classification (germline): Uncertain significance (1 of 4 stars; one submission).

Conditions:
Peroxisome biogenesis disorder, complementation group K (CGK). Identifiers: MedGen C1866257, MONDO:0800365.

gnomAD v4.1: 8 of 1,586,890 alleles (0.0005%); highest among the groups gnomAD compares: Non-Finnish European, 0.00069%; no homozygotes.

Submission:

Labcorp Genetics (formerly Invitae), Labcorp
Classification: Uncertain significance for Peroxisome biogenesis disorder, complementation group K. Last evaluated: 2022-08-19. Review status: criteria provided, single submitter. Criteria: Invitae Variant Classification Sherloc (09022015). Collection method: clinical testing. Allele origin: germline.
Comment: This sequence change replaces valine, which is neutral and non-polar, with leucine, which is neutral and non-polar, at codon 302 of the PEX14 protein (p.Val302Leu). This variant is not present in population databases (gnomAD no frequency). This variant has not been reported in the literature in individuals affected with PEX14-related conditions. Algorithms developed to predict the effect of missense changes on protein structure and function output the following: SIFT: "Tolerated"; PolyPhen-2: "Benign"; Align-GVGD: "Class C0". The leucine amino acid residue is found in multiple mammalian species, which suggests that this missense change does not adversely affect protein function. In summary, the available evidence is currently insufficient to determine the role of this variant in disease. Therefore, it has been classified as a Variant of Uncertain Significance.

NM_004565.3(PEX14):c.904G>C (p.Val302Leu)

Gene: PEX14 (peroxisomal biogenesis factor 14; plus strand). Cytogenetic location: 1p36.22.
Variant type: single nucleotide variant.
Coding change: c.904G>C on transcript NM_004565.3 (MANE Select); coding-DNA position 904, G replaced by C.
Protein change: p.Val302Leu; replaces valine 302 with leucine.
Molecular consequence: missense variant.
Genome position (GRCh38, 1-based): chr1:10,629,757, G>C. VCF-style: chr1-10629757-G-C. GRCh37 (hg19) VCF-style: chr1-10689814-G-C.
Other names: short protein forms V302L.
Identifiers: ClinVar variation 2125983 (VCV002125983.1), dbSNP rs759395711, ClinGen allele CA17855045.
Genomic context (GRCh38, chr1:10,629,757, plus strand): 5'-AGCCCCGAGGGCTCCACGGTCACCTACCACTTGCTGGGCCCCCAGGAGGAAGGCGAGGGG[G>C]TGGTGGACGTCAAGGGCCAGGTGCGGATGGAGGTGCAAGGCGAGGAGGAGAAGAGGGAGG-3'
Protein context (NP_004556.1, residues 292-312): LLGPQEEGEG[Val302Leu]VDVKGQVRME